The following is an entry in ClinVar:

ClinVar aggregate classification (germline): Uncertain significance. Review status: criteria provided, multiple submitters, no conflicts (2 of 4 stars). 3 submissions from 3 submitters: Uncertain significance (3). Last evaluated 2023-10-03.

Conditions:
Inborn genetic diseases. Identifiers: MedGen C0950123, MeSH D030342.

Allele frequency attached by ClinVar (database versions not stated): TOPMed 0.00003; gnomAD 0.00005; ESP Exome Variant Server 0.00008.
gnomAD v4.1: 9 of 1,612,630 alleles (0.00056%); highest among the groups gnomAD compares: African/African-American, 0.012%; no homozygotes.

Submissions (3):

Labcorp Genetics (formerly Invitae), Labcorp
Classification: Uncertain significance. Last evaluated: 2023-10-03. Review status: criteria provided, single submitter. Criteria: Invitae Variant Classification Sherloc (09022015). Collection method: clinical testing. Allele origin: germline.
Comment: This sequence change replaces lysine, which is basic and polar, with asparagine, which is neutral and polar, at codon 687 of the PDE6B protein (p.Lys687Asn). This variant is present in population databases (rs149423059, gnomAD 0.01%). This variant has not been reported in the literature in individuals affected with PDE6B-related conditions. ClinVar contains an entry for this variant (Variation ID: 596479). Advanced modeling of protein sequence and biophysical properties (such as structural, functional, and spatial information, amino acid conservation, physicochemical variation, residue mobility, and thermodynamic stability) performed at Invitae indicates that this missense variant is not expected to disrupt PDE6B protein function. In summary, the available evidence is currently insufficient to determine the role of this variant in disease. Therefore, it has been classified as a Variant of Uncertain Significance.

Ambry Genetics
Classification: Uncertain significance for Inborn genetic diseases. Last evaluated: 2023-03-06. Review status: criteria provided, single submitter. Criteria: Ambry Variant Classification Scheme 2023. Collection method: clinical testing. Allele origin: germline.

Eurofins Ntd Llc (ga)
Classification: Uncertain significance. Last evaluated: 2018-03-29. Review status: criteria provided, single submitter. Criteria: EGL ClinVar v180209 classification definitions. Collection method: clinical testing. Allele origin: germline. Observed: 1 variant allele, 1 heterozygote.

NM_000283.4(PDE6B):c.2061G>C (p.Lys687Asn)

Gene: PDE6B (phosphodiesterase 6B; plus strand). Cytogenetic location: 4p16.3.
Variant type: single nucleotide variant.
Coding change: c.2061G>C on transcript NM_000283.4 (MANE Select); coding-DNA position 2061, G replaced by C.
Protein change: p.Lys687Asn; replaces lysine 687 with asparagine.
Molecular consequence: missense variant.
Genome position (GRCh38, 1-based): chr4:664,153, G>C. VCF-style: chr4-664153-G-C. GRCh37 (hg19) VCF-style: chr4-657942-G-C.
Other names: c.2061G>C, p.Lys687Asn (NM_001145291.2); c.1224G>C, p.Lys408Asn (NM_001145292.2, NM_001350154.3, NM_001379246.1 and 1 more transcripts); c.906G>C, p.Lys302Asn (NM_001350155.3); short protein forms K687N, K302N, K408N.
Identifiers: ClinVar variation 596479 (VCV000596479.14), dbSNP rs149423059, ClinGen allele CA91090640.